The following is an entry in ClinVar:

NM_000393.5(COL5A2):c.1171C>T (p.Pro391Ser)

Gene: COL5A2 (collagen type V alpha 2 chain; minus strand). Cytogenetic location: 2q32.2.
Variant type: single nucleotide variant.
Coding change: c.1171C>T on transcript NM_000393.5 (MANE Select); coding-DNA position 1171, C replaced by T.
Protein change: p.Pro391Ser; replaces proline 391 with serine.
Molecular consequence: missense variant.
Genome position (GRCh38, 1-based): chr2:189,068,872, G>A on the plus strand (C>T on the coding strand, the complement: COL5A2 is on the minus strand). VCF-style: chr2-189068872-G-A. GRCh37 (hg19) VCF-style: chr2-189933598-G-A.
Other names: c.1171C>T (NM_000393.4); short protein forms P391S.
Identifiers: ClinVar variation 1353187 (VCV001353187.9), dbSNP rs2105605678, ClinGen allele CA349853881.

ClinVar aggregate classification (germline): Uncertain significance. Review status: criteria provided, multiple submitters, no conflicts (2 of 4 stars). 2 submissions from 2 submitters: Uncertain significance (2). Last evaluated 2025-01-03.

Conditions:
COL5A2-related disorder. Also called: COL5A2-related condition.
Ehlers-Danlos syndrome, classic type, 1 (EDSCL1). Also called: Ehlers-Danlos syndrome, type 1; EHLERS-DANLOS SYNDROME, GRAVIS TYPE; EHLERS-DANLOS SYNDROME, SEVERE CLASSIC TYPE; Ehlers-Danlos Syndrome, Classic Type, COL5A1-Related; EDS I. Identifiers: MedGen C0268335, MONDO:0019567, OMIM 130000.

Submissions (2):

PreventionGenetics, part of Exact Sciences
Classification: Uncertain significance for COL5A2-related condition. Last evaluated: 2025-01-03. Review status: criteria provided, single submitter. Criteria: ACMG Guidelines, 2015. Collection method: clinical testing. Allele origin: germline.
Comment: The COL5A2 c.1171C>T variant is predicted to result in the amino acid substitution p.Pro391Ser. To our knowledge, this variant has not been reported in the literature or in a large population database (gnomAD), indicating this variant is rare. At this time, the clinical significance of this variant is uncertain due to the absence of conclusive functional and genetic evidence.

Labcorp Genetics (formerly Invitae), Labcorp
Classification: Uncertain significance for Ehlers-Danlos syndrome, classic type, 1. Last evaluated: 2023-05-27. Review status: criteria provided, single submitter. Criteria: Invitae Variant Classification Sherloc (09022015). Collection method: clinical testing. Allele origin: germline.
Comment: In summary, the available evidence is currently insufficient to determine the role of this variant in disease. Therefore, it has been classified as a Variant of Uncertain Significance. This variant is not present in population databases (gnomAD no frequency). This sequence change replaces proline, which is neutral and non-polar, with serine, which is neutral and polar, at codon 391 of the COL5A2 protein (p.Pro391Ser). Advanced modeling of protein sequence and biophysical properties (such as structural, functional, and spatial information, amino acid conservation, physicochemical variation, residue mobility, and thermodynamic stability) performed at Invitae indicates that this missense variant is not expected to disrupt COL5A2 protein function. ClinVar contains an entry for this variant (Variation ID: 1353187). This variant has not been reported in the literature in individuals affected with COL5A2-related conditions.